The following is an entry in ClinVar:

NM_206965.2(FTCD):c.153C>T (p.Phe51=)

Gene: FTCD (formimidoyltransferase cyclodeaminase; minus strand). Cytogenetic location: 21q22.3.
Variant type: single nucleotide variant.
Coding change: c.153C>T on transcript NM_206965.2 (MANE Select); coding-DNA position 153, C replaced by T.
Protein change: p.Phe51=; no amino-acid change (phenylalanine 51 retained).
Molecular consequence: synonymous variant.
Genome position (GRCh38, 1-based): chr21:46,154,234, G>A on the plus strand (C>T on the coding strand, the complement: FTCD is on the minus strand). VCF-style: chr21-46154234-G-A. GRCh37 (hg19) VCF-style: chr21-47574148-G-A.
Other names: c.153C>T, p.Phe51= (NM_001320412.2, NM_006657.3); c.153C>T (NM_001320412.1).
Identifiers: ClinVar variation 3044234 (VCV003044234.2), dbSNP rs779166982, ClinGen allele CA10074043.
Genomic context (GRCh38, chr21:46,154,234, plus strand): 5'-TCGGGAAGCTACCCGGGCAGCGTTGAGGGCCCCCTCCACCACGCACTCCGGCGGCCCCAC[G>A]AAGGTGTACACGGTGCGGTTGGTGGAAGGGCCTGCGTCCACATCCAGCAGCACGCAGCCC-3'
Protein context (NP_996848.1, residues 41-61): GPSTNRTVYT[Phe51=]VGPPECVVEG

ClinVar aggregate classification (germline): Likely benign (0 of 4 stars; one submission).

Conditions:
FTCD-related disorder. Also called: FTCD-related condition.

Allele frequency attached by ClinVar (database versions not stated): gnomAD 0.00006; TOPMed 0.00008 and 0.00010.
gnomAD v4.1: 234 of 1,612,800 alleles (0.015%); highest among the groups gnomAD compares: East Asian, 0.029%; no homozygotes.

Submission:

PreventionGenetics, part of Exact Sciences
Classification: Likely benign for FTCD-related condition. Last evaluated: 2019-05-29. Review status: no assertion criteria provided. Collection method: clinical testing. Allele origin: germline.
Comment: This variant is classified as likely benign based on ACMG/AMP sequence variant interpretation guidelines (Richards et al. 2015 PMID: 25741868, with internal and published modifications).